The following is an entry in ClinVar:

NM_000443.4(ABCB4):c.2759T>C (p.Val920Ala)

Gene: ABCB4 (ATP binding cassette subfamily B member 4; minus strand). Cytogenetic location: 7q21.12.
Variant type: single nucleotide variant.
Coding change: c.2759T>C on transcript NM_000443.4 (MANE Select); coding-DNA position 2759, T replaced by C.
Protein change: p.Val920Ala; replaces valine 920 with alanine.
Molecular consequence: missense variant.
Genome position (GRCh38, 1-based): chr7:87,413,641, A>G on the plus strand (T>C on the coding strand, the complement: ABCB4 is on the minus strand). VCF-style: chr7-87413641-A-G. GRCh37 (hg19) VCF-style: chr7-87042957-A-G.
Other names: c.2759T>C, p.Val920Ala (NM_018849.3, NM_018850.3); short protein forms V920A.
Identifiers: ClinVar variation 3710325 (VCV003710325.2).

ClinVar aggregate classification (germline): Uncertain significance (1 of 4 stars; one submission).

gnomAD v4.1: 1 of 1,610,610 alleles (0.000062%); highest among the groups gnomAD compares: African/African-American, 0.0013%; no homozygotes.

Submission:

Labcorp Genetics (formerly Invitae), Labcorp
Classification: Uncertain significance. Last evaluated: 2024-12-16. Review status: criteria provided, single submitter. Criteria: Invitae Variant Classification Sherloc (09022015). Collection method: clinical testing. Allele origin: germline.
Comment: This sequence change replaces valine, which is neutral and non-polar, with alanine, which is neutral and non-polar, at codon 920 of the ABCB4 protein (p.Val920Ala). This variant is present in population databases (no rsID available, gnomAD 0.01%). This variant has not been reported in the literature in individuals affected with ABCB4-related conditions. Invitae Evidence Modeling of protein sequence and biophysical properties (such as structural, functional, and spatial information, amino acid conservation, physicochemical variation, residue mobility, and thermodynamic stability) indicates that this missense variant is not expected to disrupt ABCB4 protein function with a negative predictive value of 80%. In summary, the available evidence is currently insufficient to determine the role of this variant in disease. Therefore, it has been classified as a Variant of Uncertain Significance.